The following is an entry in ClinVar:

NM_001177316.2(SLC34A3):c.1071C>T (p.Val357=)

Gene: SLC34A3 (solute carrier family 34 member 3; plus strand). Cytogenetic location: 9q34.3.
Variant type: single nucleotide variant.
Coding change: c.1071C>T on transcript NM_001177316.2 (MANE Select); coding-DNA position 1071, C replaced by T.
Protein change: p.Val357=; no amino-acid change (valine 357 retained).
Molecular consequence: synonymous variant.
Genome position (GRCh38, 1-based): chr9:137,234,254, C>T. VCF-style: chr9-137234254-C-T. GRCh37 (hg19) VCF-style: chr9-140128706-C-T.
Other names: c.1071C>T, p.Val357= (NM_001177317.2, NM_080877.3).
Identifiers: ClinVar variation 777839 (VCV000777839.16), dbSNP rs142839759, ClinGen allele CA5364753.
Genomic context (GRCh38, chr9:137,234,254, plus strand): 5'-CTGCCTGGTCCTCATAGTCAAGCTGCTCAACTCTGTGCTGCGCGGCCGCGTGGCCCAGGT[C>T]GTGAGGACAGTCATCAATGCGGGTGAGGGCGTGGGAGGAGGTGCGGTGGCCAGGGCTGAC-3'
Protein context (NP_001170787.2, residues 347-367): NSVLRGRVAQ[Val357=]VRTVINADFP

ClinVar aggregate classification (germline): Benign/Likely benign. Review status: criteria provided, multiple submitters, no conflicts (2 of 4 stars). 5 submissions from 5 submitters: Benign (2); Likely benign (3). Last evaluated 2026-02-02.

Conditions:
SLC34A3-related disorder. Also called: SLC34A3-related condition.
Autosomal recessive hypophosphatemic bone disease (HHRH). Also called: Hypophosphatemic rickets with hypercalciuria; HYPERCALCIURIC RICKETS. Identifiers: Orphanet 157215, MedGen C1853271, MONDO:0009431, OMIM 241530.

Allele frequency attached by ClinVar (database versions not stated): gnomAD 0.00038 and 0.00041; TOPMed 0.00043; ESP Exome Variant Server 0.00046; ExAC 0.00051; gnomAD exomes 0.00068.
gnomAD v4.1: 571 of 1,610,796 alleles (0.035%); highest among the groups gnomAD compares: Non-Finnish European, 0.0064%; 4 homozygotes.

Submissions (5):

Labcorp Genetics (formerly Invitae), Labcorp
Classification: Benign. Last evaluated: 2026-02-02. Review status: criteria provided, single submitter. Criteria: Invitae Variant Classification Sherloc (09022015). Collection method: clinical testing. Allele origin: germline.

PreventionGenetics, part of Exact Sciences
Classification: Benign for SLC34A3-related condition. Last evaluated: 2025-05-14. Review status: criteria provided, single submitter. Criteria: ACMG Guidelines, 2015. Collection method: clinical testing. Allele origin: germline.
Comment: This variant is classified as benign based on ACMG/AMP sequence variant interpretation guidelines (Richards et al. 2015 PMID: 25741868, with internal and published modifications).

Blueprint Genetics
Classification: Likely benign. Last evaluated: 2024-08-30. Review status: criteria provided, single submitter. Criteria: ACMG Guidelines, 2015. Collection method: clinical testing. Allele origin: germline.

Fulgent Genetics
Classification: Likely benign for Autosomal recessive hypophosphatemic bone disease. Last evaluated: 2021-11-09. Review status: criteria provided, single submitter. Criteria: ACMG Guidelines, 2015. Collection method: clinical testing. Allele origin: unknown.

GeneDx
Classification: Likely benign. Last evaluated: 2019-06-17. Review status: criteria provided, single submitter. Criteria: GeneDx Variant Classification Process June 2021. Collection method: clinical testing. Allele origin: germline. Affected: yes.